The following is an entry in ClinVar:

NM_006662.3(SRCAP):c.9610G>A (p.Asp3204Asn)

Gene: SRCAP (Snf2 related CREBBP activator protein; plus strand). Cytogenetic location: 16p11.2.
Variant type: single nucleotide variant.
Coding change: c.9610G>A on transcript NM_006662.3 (MANE Select); coding-DNA position 9610, G replaced by A.
Protein change: p.Asp3204Asn; replaces aspartic acid 3204 with asparagine.
Molecular consequence: missense variant.
Genome position (GRCh38, 1-based): chr16:30,739,650, G>A. VCF-style: chr16-30739650-G-A. GRCh37 (hg19) VCF-style: chr16-30750971-G-A.
Other names: short protein forms D3204N.
Identifiers: ClinVar variation 2671645 (VCV002671645.1), dbSNP rs761320731, ClinGen allele CA395645272.
Genomic context (GRCh38, chr16:30,739,650, plus strand): 5'-GATGGGACCCCACGCCGACGTCCTGGCCCCCGCCGGCTTGTTGGGACCACCAACCAAGGG[G>A]ACCAGCGCATCCTGCGCAGCAGCGCCCCTCCCTCCCTGGCTGGCCCTGCTGTTAGTCACA-3'
Protein context (NP_006653.2, residues 3194-3214): RRLVGTTNQG[Asp3204Asn]QRILRSSAPP

ClinVar aggregate classification (germline): Uncertain significance (1 of 4 stars; one submission).

Conditions:
Developmental delay, hypotonia, musculoskeletal defects, and behavioral abnormalities. Identifiers: MedGen C5562012, MONDO:0859202, OMIM 619595.

gnomAD v4.1: 1 of 1,589,072 alleles (0.000063%); highest among the groups gnomAD compares: East Asian, 0.0023%; no homozygotes.

Submission:

Neuberg Centre For Genomic Medicine, NCGM
Classification: Uncertain significance for Developmental delay, hypotonia, musculoskeletal defects, and behavioral abnormalities. Last evaluated: 2023-02-14. Review status: criteria provided, single submitter. Criteria: ACMG Guidelines, 2015. Collection method: clinical testing. Allele origin: germline. Inheritance: Autosomal dominant inheritance. Affected: yes.
Comment: The missense variant c.9610G>A (p.Asp3204Asn) in the SRCAP gene has not been reported previously as a pathogenic variant nor as a benign variant, to our knowledge. This variant is novel (not in any individuals) in gnomAD Exomes and 1000 Genomes. The amino acid Aspartic Acid at position 3204 is changed to a Asparagine changing protein sequence and it might alter its composition and physico-chemical properties. The variant is predicted as damaging by SIFT. The amino acid change p.Asp3204Asn in SRCAP is predicted as conserved by GERP++ and PhyloP across 100 vertebrates. For these reasons, this variant has been classified as Uncertain Significance